The following is an entry in ClinVar:

ClinVar aggregate classification (germline): Conflicting classifications of pathogenicity. Review status: criteria provided, conflicting classifications (1 of 4 stars). 10 submissions from 10 submitters: Uncertain significance (7); Likely benign (2). 1 of the submissions does not count toward it. Last evaluated 2026-01-28.

Conditions:
DNAH5-related disorder. Also called: DNAH5-related condition.
Primary ciliary dyskinesia. Also called: Ciliary dyskinesia. Identifiers: Orphanet 244, MedGen C0008780, MONDO:0016575, HP:0012265.
Primary ciliary dyskinesia 3. Identifiers: Orphanet 244, MedGen C1837618, MONDO:0012085, OMIM 608644.

Allele frequency attached by ClinVar (database versions not stated): 1000 Genomes Project 0.00040; 1000 Genomes Project 30x 0.00062; gnomAD 0.00106 and 0.00107; TOPMed 0.00123; gnomAD exomes 0.00146; ExAC 0.00150; ESP Exome Variant Server 0.00169.
gnomAD v4.1: 2,319 of 1,613,698 alleles (0.14%); highest among the groups gnomAD compares: Non-Finnish European, 0.16%; 3 homozygotes.

Submissions (10):

Labcorp Genetics (formerly Invitae), Labcorp
Classification: Likely benign for Primary ciliary dyskinesia. Last evaluated: 2026-01-28. Review status: criteria provided, single submitter. Criteria: Invitae Variant Classification Sherloc (09022015). Collection method: clinical testing. Allele origin: germline.

CeGaT Center for Human Genetics Tuebingen
Classification: Likely benign. Last evaluated: 2026-01-01. Review status: criteria provided, single submitter. Criteria: CeGaT Center For Human Genetics Tuebingen Variant Classification Criteria Version 2. Collection method: clinical testing. Allele origin: germline. Affected: yes. Observed: 2 variant alleles.
Comment: DNAH5: PP3, BS1

GeneDx
Classification: Uncertain significance. Last evaluated: 2025-06-03. Review status: criteria provided, single submitter. Criteria: GeneDx Variant Classification Process June 2021. Collection method: clinical testing. Allele origin: germline. Affected: yes.
Comment: In silico analysis supports that this missense variant has a deleterious effect on protein structure/function; This variant is associated with the following publications: (PMID: 19357118, 34426522, 24498942)

PreventionGenetics, part of Exact Sciences
Classification: Uncertain significance for DNAH5-related condition. Last evaluated: 2024-12-17. Review status: criteria provided, single submitter. Criteria: ACMG Guidelines, 2015. Collection method: clinical testing. Allele origin: germline.
Comment: The DNAH5 c.11437C>T variant is predicted to result in the amino acid substitution p.Arg3813Trp. This variant was reported in the compound heterozygous state in an individual with primary ciliary dyskinesia (Table 1, Kim et al. 2014. PubMed ID: 24498942). This variant is reported in 0.34% of alleles in individuals of Ashkenazi Jewish descent in gnomAD, including one homozygous observation. At this time, the clinical significance of this variant is uncertain due to the absence of conclusive functional and genetic evidence.

Blueprint Genetics
Classification: Uncertain significance. Last evaluated: 2024-11-13. Review status: criteria provided, single submitter. Criteria: ACMG Guidelines, 2015. Collection method: clinical testing. Allele origin: germline.

Mayo Clinic Laboratories, Mayo Clinic
Classification: Uncertain significance. Last evaluated: 2023-12-29. Review status: criteria provided, single submitter. Criteria: ACMG Guidelines, 2015. Collection method: clinical testing. Allele origin: germline. Observed: 1 variant allele.
Comment: BS1, PP3

Pars Genome Lab
Classification: Uncertain significance for Primary ciliary dyskinesia 3. Last evaluated: 2021-05-18. Review status: criteria provided, single submitter. Criteria: ACMG Guidelines, 2015. Collection method: clinical testing. Allele origin: germline. Affected: no.

Ambry Genetics
Classification: Uncertain significance for Primary ciliary dyskinesia. Last evaluated: 2016-10-19. Review status: criteria provided, single submitter. Criteria: Ambry Variant Classification Scheme 2023. Collection method: clinical testing. Allele origin: germline.
Comment: The p.R3813W variant (also known as c.11437C>T), located in coding exon 66 of the DNAH5 gene, results from a C to T substitution at nucleotide position 11437. The arginine at codon 3813 is replaced by tryptophan, an amino acid with dissimilar properties. This individual was also heterozygous for a nonsense alteration in DNAH5; however, the phase of these alterations was not provided (Kim RH et al. Ann Am Thorac Soc, 2014 Mar;11:351-9). This amino acid position is highly conserved in available vertebrate species. In addition, this alteration is predicted to be deleterious by in silico analysis. Since supporting evidence is limited at this time, the clinical significance of this alteration remains unclear.

Laboratory for Molecular Medicine, Mass General Brigham Personalized Medicine
Classification: Uncertain significance. Last evaluated: 2015-02-10. Review status: criteria provided, single submitter. Criteria: LMM Criteria. Collection method: clinical testing. Allele origin: germline. Observed: 1 variant allele.
Comment: The p.Arg3813Trp variant in DNAH5 has been previously reported in 1 compound het erozygous child with primary ciliary dyskinesia (PCD) (Kim 2014). This variant h as also been identified in 0.24% (159/66720) of Non-Finnish European chromosomes by the Exome Aggregation Consortium (ExAC; dbSN P rs397515393). Computational prediction tools and conservation analysis sugges t that this variant may impact the protein, though this information is not predi ctive enough to determine pathogenicity. In summary, the clinical significance o f the p.Arg3813Trp variant is uncertain.

Counsyl
Classification: Uncertain significance for Primary ciliary dyskinesia 3. Last evaluated: 2017-06-19. Review status: no assertion criteria provided. Collection method: clinical testing. Allele origin: unknown. Not counted in ClinVar's aggregate classification.

Literature cited by the submitters: PubMed 24498942 (cited by 4 submitters); PubMed 32188719 (cited by Mayo Clinic Laboratories, Mayo Clinic); PubMed 34426522 (cited by Mayo Clinic Laboratories, Mayo Clinic); PubMed 19357118 (cited by Laboratory for Molecular Medicine, Mass General Brigham Personalized Medicine).

NM_001369.3(DNAH5):c.11437C>T (p.Arg3813Trp)

Gene: DNAH5 (dynein axonemal heavy chain 5; minus strand). Cytogenetic location: 5p15.2.
Variant type: single nucleotide variant.
Coding change: c.11437C>T on transcript NM_001369.3 (MANE Select); coding-DNA position 11437, C replaced by T.
Protein change: p.Arg3813Trp; replaces arginine 3813 with tryptophan.
Molecular consequence: missense variant.
Genome position (GRCh38, 1-based): chr5:13,737,270, G>A on the plus strand (C>T on the coding strand, the complement: DNAH5 is on the minus strand). VCF-style: chr5-13737270-G-A. GRCh37 (hg19) VCF-style: chr5-13737379-G-A.
Other names: short protein forms R3813W.
Identifiers: ClinVar variation 228606 (VCV000228606.40), dbSNP rs140948493, ClinGen allele CA3201981.